The following is an entry in ClinVar:

NM_000548.5(TSC2):c.3238T>C (p.Leu1080=)

Gene: TSC2 (TSC complex subunit 2; plus strand). Cytogenetic location: 16p13.3.
Variant type: single nucleotide variant.
Coding change: c.3238T>C on transcript NM_000548.5 (MANE Select); coding-DNA position 3238, T replaced by C.
Protein change: p.Leu1080=; no amino-acid change (leucine 1080 retained).
Molecular consequence: synonymous variant.
Genome position (GRCh38, 1-based): chr16:2,079,382, T>C. VCF-style: chr16-2079382-T-C. GRCh37 (hg19) VCF-style: chr16-2129383-T-C.
Other names: c.3106T>C, p.Leu1036= (NM_001077183.3, NM_001370404.1); c.3238T>C, p.Leu1080= (NM_001114382.3); c.2998T>C, p.Leu1000= (NM_001318827.2); c.2962T>C, p.Leu988= (NM_001318829.2); c.2506T>C, p.Leu836= (NM_001318831.2); c.3139T>C, p.Leu1047= (NM_001318832.2); c.3109T>C, p.Leu1037= (NM_001363528.2, NM_001370405.1, NM_021055.3).
Identifiers: ClinVar variation 752733 (VCV000752733.14), dbSNP rs1596384213, ClinGen allele CA493042933.

ClinVar aggregate classification (germline): Likely benign. Review status: criteria provided, multiple submitters, no conflicts (2 of 4 stars). 3 submissions from 3 submitters: Likely benign (3). Last evaluated 2023-06-26.

Conditions:
Tuberous sclerosis syndrome (TSC). Also called: Tuberous sclerosis; Tuberous Sclerosis Complex. Identifiers: Orphanet 805, MedGen C0041341, MONDO:0001734.
Hereditary cancer-predisposing syndrome. Also called: Tumor predisposition; Hereditary Cancer Syndrome; Neoplastic Syndromes, Hereditary; Hereditary neoplastic syndrome. Identifiers: Orphanet 140162, MedGen C0027672, MeSH D009386, MONDO:0015356.
Tuberous sclerosis 2 (TSC2). Identifiers: Orphanet 805, MedGen C1860707, MONDO:0013199, OMIM 613254.

Submissions (3):

All of Us Research Program, National Institutes of Health
Classification: Likely benign for Tuberous sclerosis syndrome. Last evaluated: 2023-06-26. Review status: criteria provided, single submitter. Criteria: ACMG Guidelines, 2015. Collection method: clinical testing. Allele origin: germline. Inheritance: Autosomal dominant inheritance. Observed: 1 variant allele, 1 heterozygote.
Comment: This study involves interpretation of variants in research participants for the purpose of population health screening. Participant phenotype was not available at the time of variant classification. Additional details can be found in publication PMID: 35346344, PMCID: PMC8962531

Labcorp Genetics (formerly Invitae), Labcorp
Classification: Likely benign for Tuberous sclerosis 2. Last evaluated: 2022-08-22. Review status: criteria provided, single submitter. Criteria: Invitae Variant Classification Sherloc (09022015). Collection method: clinical testing. Allele origin: germline.

Ambry Genetics
Classification: Likely benign for Hereditary cancer-predisposing syndrome. Last evaluated: 2020-04-24. Review status: criteria provided, single submitter. Criteria: Ambry Variant Classification Scheme 2023. Collection method: clinical testing. Allele origin: germline.